The following is an entry in ClinVar:

ClinVar aggregate classification (germline): Uncertain significance (1 of 4 stars; one submission).

Conditions:
KBG syndrome (KBGS). Also called: ANKRD11-Related KBG Syndrome. Identifiers: Orphanet 2332, MedGen C0220687, MONDO:0007846, OMIM 148050.

Submission:

Labcorp Genetics (formerly Invitae), Labcorp
Classification: Uncertain significance for KBG syndrome. Last evaluated: 2023-12-11. Review status: criteria provided, single submitter. Criteria: Invitae Variant Classification Sherloc (09022015). Collection method: clinical testing. Allele origin: germline.
Comment: This sequence change replaces lysine, which is basic and polar, with glutamic acid, which is acidic and polar, at codon 1107 of the ANKRD11 protein (p.Lys1107Glu). This variant is not present in population databases (gnomAD no frequency). This variant has not been reported in the literature in individuals affected with ANKRD11-related conditions. Advanced modeling of protein sequence and biophysical properties (such as structural, functional, and spatial information, amino acid conservation, physicochemical variation, residue mobility, and thermodynamic stability) performed at Invitae indicates that this missense variant is not expected to disrupt ANKRD11 protein function with a negative predictive value of 95%. In summary, the available evidence is currently insufficient to determine the role of this variant in disease. Therefore, it has been classified as a Variant of Uncertain Significance.

NM_013275.6(ANKRD11):c.3319A>G (p.Lys1107Glu)

Gene: ANKRD11 (ankyrin repeat domain 11; minus strand). Cytogenetic location: 16q24.3.
Variant type: single nucleotide variant.
Coding change: c.3319A>G on transcript NM_013275.6 (MANE Select); coding-DNA position 3319, A replaced by G.
Protein change: p.Lys1107Glu; replaces lysine 1107 with glutamic acid.
Molecular consequence: missense variant.
Genome position (GRCh38, 1-based): chr16:89,283,223, T>C on the plus strand (A>G on the coding strand, the complement: ANKRD11 is on the minus strand). VCF-style: chr16-89283223-T-C. GRCh37 (hg19) VCF-style: chr16-89349631-T-C.
Other names: c.3319A>G, p.Lys1107Glu (NM_001256182.2, NM_001256183.2); short protein forms K1107E.
Identifiers: ClinVar variation 2702209 (VCV002702209.3), dbSNP rs2544237916, ClinGen allele CA397160079.
Genomic context (GRCh38, chr16:89,283,223, plus strand): 5'-TGTCGTCCTCACTCTCATCTGTGAAGATGTCTGCGATGTACCAGCTTTTCTCTTTGCCTT[T>C]CTTGTCATCTTTTTTTTCAGAGAAGTCTTCTGAGATGATCCCAGGGAAAGCCTTCTCCTT-3'
Protein context (NP_037407.4, residues 1097-1117): EDFSEKKDDK[Lys1107Glu]GKEKSWYIAD